The following is an entry in ClinVar:

ClinVar aggregate classification (germline): Likely pathogenic (1 of 4 stars; one submission).

Conditions:
LAMB2-related infantile-onset nephrotic syndrome. Also called: NEPHROTIC SYNDROME, TYPE 5, WITHOUT OCULAR ABNORMALITIES; NEPHROTIC SYNDROME, TYPE 5, WITH OCULAR ABNORMALITIES; Nephrotic Syndrome, type 5. Identifiers: Orphanet 306507, MedGen C3280113, MONDO:0013621, OMIM 614199.

Submission:

3billion
Classification: Likely pathogenic for LAMB2-related infantile-onset nephrotic syndrome. Last evaluated: 2024-10-16. Review status: criteria provided, single submitter. Criteria: ACMG Guidelines, 2015. Collection method: clinical testing. Allele origin: germline. Affected: yes.
Comment: The variant is observed at an extremely low frequency in the gnomAD v4.1.0 dataset (total allele frequency: <0.001%). Predicted Consequence/Location: Frameshift: predicted to result in a loss or disruption of normal protein function through nonsense-mediated decay (NMD) or protein truncation. Multiple pathogenic variants are reported downstream of the variant. Therefore, this variant is classified as Likely pathogenic according to the recommendation of ACMG/AMP guideline.

NM_002292.4(LAMB2):c.3645_3646dup (p.Gln1216fs)

Gene: LAMB2 (laminin subunit beta 2; minus strand). Cytogenetic location: 3p21.31.
Variant type: Microsatellite.
Coding change: c.3645_3646dup on transcript NM_002292.4 (MANE Select); coding-DNA positions 3645 to 3646, 2 bases duplicated (GC; older notation c.3645_3646dupGC).
Protein change: p.Gln1216fs; shifts the reading frame from glutamine 1216.
Molecular consequence: frameshift variant.
Genome position (GRCh38, 1-based): chr3:49,123,879-49,123,880, GC duplicated on the plus strand (GC on the coding strand, the reverse complement: LAMB2 is on the minus strand); duplicating any 2 consecutive bases within chr3:49,123,879-49,123,882 gives the same sequence; the c. name uses the placement nearest the transcript's 3' end. VCF-style (leftmost placement, unchanged base first): chr3-49123878-T-TGC. GRCh37 (hg19) VCF-style: chr3-49161311-T-TGC.
Other names: short protein forms Q1216fs.
Identifiers: ClinVar variation 4293385 (VCV004293385.1).